The following is an entry in ClinVar:

ClinVar aggregate classification (germline): Uncertain significance (1 of 4 stars; one submission).

Conditions:
Idiopathic generalized epilepsy. Also called: EIG; Generalised epilepsy. Identifiers: MedGen C0270850, MONDO:0005579, OMIM 600669.

Allele frequency attached by ClinVar (database versions not stated): gnomAD exomes below 0.00001 and 0.00001; ExAC 0.00001.
gnomAD v4.1: 2 of 1,613,830 alleles (0.00012%); highest among the groups gnomAD compares: South Asian, 0.0022%; no homozygotes.

Submission:

Labcorp Genetics (formerly Invitae), Labcorp
Classification: Uncertain significance for Idiopathic generalized epilepsy. Last evaluated: 2019-01-18. Review status: criteria provided, single submitter. Criteria: Invitae Variant Classification Sherloc (09022015). Collection method: clinical testing. Allele origin: germline.
Comment: In summary, the available evidence is currently insufficient to determine the role of this variant in disease. Therefore, it has been classified as a Variant of Uncertain Significance. Algorithms developed to predict the effect of missense changes on protein structure and function are either unavailable or do not agree on the potential impact of this missense change (SIFT: "Deleterious"; PolyPhen-2: "Possibly Damaging"; Align-GVGD: "Class C0"). This variant has not been reported in the literature in individuals with CACNB4-related conditions. This variant is present in population databases (rs752007243, ExAC 0.006%). This sequence change replaces asparagine with serine at codon 272 of the CACNB4 protein (p.Asn272Ser). The asparagine residue is highly conserved and there is a small physicochemical difference between asparagine and serine.

NM_000726.5(CACNB4):c.815A>G (p.Asn272Ser)

Gene: CACNB4 (calcium voltage-gated channel auxiliary subunit beta 4; minus strand). Cytogenetic location: 2q23.3.
Variant type: single nucleotide variant.
Coding change: c.815A>G on transcript NM_000726.5 (MANE Select); coding-DNA position 815, A replaced by G.
Protein change: p.Asn272Ser; replaces asparagine 272 with serine.
Molecular consequence: missense variant. On other transcripts: intron variant (3).
Genome position (GRCh38, 1-based): chr2:151,860,764, T>C on the plus strand (A>G on the coding strand, the complement: CACNB4 is on the minus strand). VCF-style: chr2-151860764-T-C. GRCh37 (hg19) VCF-style: chr2-152717278-T-C.
Other names: c.761A>G, p.Asn254Ser (NM_001005746.4); c.713A>G, p.Asn238Ser (NM_001005747.4); c.815A>G, p.Asn272Ser (NM_001145798.3); c.674A>G, p.Asn225Ser (NM_001320722.3, NM_001330118.2); c.161A>G, p.Asn54Ser (NM_001330114.2); c.257A>G, p.Asn86Ser (NM_001330117.2); c.626-5389A>G (NM_001330113.2); c.578-5389A>G (NM_001330115.2); and 1 more; short protein forms N54S, N86S, N238S, N225S, N254S, N272S.
Identifiers: ClinVar variation 842885 (VCV000842885.9), dbSNP rs752007243, ClinGen allele CA1912465.
Genomic context (GRCh38, chr2:151,860,764, plus strand): 5'-ATCTTACCTAAGCTGGACCGGGTGTTCGAACGTTCAATTATTGCTCTCTTGCTGGGATTA[T>C]TTAGGACAGACCTCTTAGCAAGAGAAATGTCAGCTGTCACTCTCGTTATTGAAATCCTAT-3'
Protein context (NP_000717.2, residues 262-282): DISLAKRSVL[Asn272Ser]NPSKRAIIER